The following is an entry in ClinVar:

ClinVar aggregate classification (germline): Pathogenic (1 of 4 stars; one submission).

Conditions:
Cerebral cavernous malformation 3. Also called: Familial Cerebral Cavernous Malformation 3. Identifiers: Orphanet 221061, MedGen C1864040, MONDO:0011305, OMIM 603285.

Submission:

Labcorp Genetics (formerly Invitae), Labcorp
Classification: Pathogenic for Cerebral cavernous malformation 3. Last evaluated: 2022-04-10. Review status: criteria provided, single submitter. Criteria: Invitae Variant Classification Sherloc (09022015). Collection method: clinical testing. Allele origin: germline.
Comment: This sequence change affects a donor splice site in intron 7 of the PDCD10 gene. While this variant is not anticipated to result in nonsense mediated decay, it likely alters RNA splicing and results in a disrupted protein product. This variant is not present in population databases (gnomAD no frequency). For these reasons, this variant has been classified as Pathogenic. This variant disrupts a region of the PDCD10 protein in which other variant(s) (p.Arg196*) have been determined to be pathogenic (PMID: 15543491, 30161288). This suggests that this is a clinically significant region of the protein, and that variants that disrupt it are likely to be disease-causing. Variants that disrupt the consensus splice site are a relatively common cause of aberrant splicing (PMID: 17576681, 9536098). Algorithms developed to predict the effect of sequence changes on RNA splicing suggest that this variant may disrupt the consensus splice site. Disruption of this splice site has been observed in individuals with cerebral cavernous malformations (PMID: 23801932; Invitae).

Literature cited by the submitters: PubMed 15543491; PubMed 30161288; PubMed 17576681; PubMed 9536098; PubMed 23801932.

NM_007217.4(PDCD10):c.557+1G>T

Gene: PDCD10 (programmed cell death 10; minus strand). Cytogenetic location: 3q26.1.
Variant type: single nucleotide variant.
Coding change: c.557+1G>T on transcript NM_007217.4 (MANE Select); the canonical splice donor site of the intron after coding-DNA position 557, G replaced by T.
Molecular consequence: splice donor variant.
Genome position (GRCh38, 1-based): chr3:167,687,233, C>A on the plus strand (G>T on the coding strand, the complement: PDCD10 is on the minus strand). VCF-style: chr3-167687233-C-A. GRCh37 (hg19) VCF-style: chr3-167405021-C-A.
Other names: c.557+1G>T (NM_145860.2, NM_145859.2).
Identifiers: ClinVar variation 2124205 (VCV002124205.4), dbSNP rs747383685, ClinGen allele CA355153979.